The following is an entry in ClinVar:

ClinVar aggregate classification (germline): Pathogenic (1 of 4 stars; one submission).

Conditions:
Ataxia-telangiectasia syndrome (AT). Also called: Ataxia-telangiectasia; Cerebello-oculocutaneous telangiectasia; Immunodeficiency with ataxia telangiectasia; ATAXIA-TELANGIECTASIA, COMPLEMENTATION GROUP A; ATAXIA-TELANGIECTASIA, FRESNO VARIANT; Ataxia-telangiectasia, complementation group D. Identifiers: Orphanet 100, MedGen C0004135, MONDO:0008840, OMIM 208900.

Submission:

Labcorp Genetics (formerly Invitae), Labcorp
Classification: Pathogenic for Ataxia-telangiectasia syndrome. Last evaluated: 2016-07-20. Review status: criteria provided, single submitter. Criteria: Invitae Variant Classification Sherloc (09022015). Collection method: clinical testing. Allele origin: germline.
Comment: This variant is a gross deletion of the genomic region encompassing exons 6-63 of the ATM gene. The 5' boundary is likely confined to intron 5. The 3' end of this event is unknown as it extends through the termination codon beyond the assayed region for this gene and may encompass additional genes. While this deletion is not anticipated to result in nonsense mediated decay, it is expected to result in the loss of 2890 amino acid residues, which deletes approximately 94% of the full length ATM protein. While this particular deletion has not been reported in the literature, gross deletions and loss-of-function variants in ATM are known to be pathogenic (PMID: 25614872, 23807571). This gross deletion removes most of the known functional domains including the FACT, PI3/PI4 kinase and FAT domains, which are important for normal ATM protein function such as cell cycle regulation, DNA damage response, and maintenance of genome stability (PMID: 18813293, 23532176). A smaller deletion encompassing exons 62-63 of the ATM gene is causative for autosomal recessive ataxia-telangiectasia (PMID: 9443866) and has been classified as pathogenic in the Invitae database, suggesting that this larger deletion is also deleterious for ATM protein function. For these reasons, this variant has been classified as Pathogenic.

NC_000011.10:g.(?_108243953)_(108369099_?)del

Genes: ATM (ATM serine/threonine kinase; plus strand), C11orf65 (chromosome 11 open reading frame 65; minus strand), LOC128772356 (melanoma risk locus-associated MPRA allelic enhancer 11:108140516; plus strand), LOC129390354 (MPRA-validated peak1451 silencer; plus strand). Cytogenetic location: 11q22.3.
Variant type: Deletion.
Identifiers: ClinVar variation 417408 (VCV000417408.1).